The following is an entry in ClinVar:

ClinVar aggregate classification (germline): Uncertain significance (1 of 4 stars; one submission).

gnomAD v4.1: 5 of 1,551,320 alleles (0.00032%); highest among the groups gnomAD compares: African/African-American, 0.0014%; no homozygotes.

Submission:

Labcorp Genetics (formerly Invitae), Labcorp
Classification: Uncertain significance. Last evaluated: 2025-06-09. Review status: criteria provided, single submitter. Criteria: Invitae Variant Classification Sherloc (09022015). Collection method: clinical testing. Allele origin: germline.
Comment: This sequence change replaces arginine, which is basic and polar, with glutamine, which is neutral and polar, at codon 1262 of the TET2 protein (p.Arg1262Gln). This variant is not present in population databases (gnomAD no frequency). This missense change has been observed in individual(s) with nodular lymphocyte predominant Hodgkin lymphoma (PMID: 40031954). An algorithm developed to predict the effect of missense changes on protein structure and function (PolyPhen-2) suggests that this variant is likely to be disruptive. In summary, the available evidence is currently insufficient to determine the role of this variant in disease. Therefore, it has been classified as a Variant of Uncertain Significance.

Literature cited by the submitters: PubMed 40031954.

NM_001127208.3(TET2):c.3785G>A (p.Arg1262Gln)

Genes: TET2 (tet methylcytosine dioxygenase 2; plus strand), TET2-AS1 (TET2 antisense RNA 1; minus strand). Cytogenetic location: 4q24.
Variant type: single nucleotide variant.
Coding change: c.3785G>A on transcript NM_001127208.3 (MANE Select); coding-DNA position 3785, G replaced by A.
Protein change: p.Arg1262Gln; replaces arginine 1262 with glutamine.
Molecular consequence: missense variant.
Genome position (GRCh38, 1-based): chr4:105,243,760, G>A. VCF-style: chr4-105243760-G-A. GRCh37 (hg19) VCF-style: chr4-106164917-G-A.
Other names: short protein forms R1262Q.
Identifiers: ClinVar variation 4762922 (VCV004762922.1).